The following is an entry in ClinVar:

NM_001363118.2(SLC52A2):c.227_247del (p.Asp76_Arg82del)

Gene: SLC52A2 (solute carrier family 52 member 2; plus strand). Cytogenetic location: 8q24.3.
Variant type: Deletion.
Coding change: c.227_247del on transcript NM_001363118.2 (MANE Select); coding-DNA positions 227 to 247, 21 bases deleted (ACGAGCAGGTCCCCATCCGGG).
Protein change: p.Asp76_Arg82del.
Molecular consequence: inframe deletion. On other transcripts: non-coding transcript variant (1), intron variant (1).
Genome position (GRCh38, 1-based): chr8:144,359,719-144,359,739, ACGAGCAGGTCCCCATCCGGG deleted; deleting any 21 consecutive bases within chr8:144,359,717-144,359,739 gives the same sequence; the c. name uses the placement nearest the transcript's 3' end. VCF-style (leftmost placement, unchanged base first): chr8-144359716-AGGACGAGCAGGTCCCCATCCG-A. GRCh37 (hg19) VCF-style: chr8-145583376-AGGACGAGCAGGTCCCCATCCG-A.
Other names: c.227_247del, p.Asp76_Arg82del (NM_001253815.2, NM_001253816.2, NM_001363120.2 and 2 more transcripts); c.130+296_130+316del (NM_001363122.2).
Identifiers: ClinVar variation 504418 (VCV000504418.2), dbSNP rs1554853875, ClinGen allele CA658797183.

ClinVar aggregate classification (germline): Likely pathogenic (1 of 4 stars; one submission).

Submission:

GeneDx
Classification: Likely pathogenic. Last evaluated: 2018-02-26. Review status: criteria provided, single submitter. Criteria: GeneDx Variant Classification (06012015). Collection method: clinical testing. Allele origin: germline. Affected: yes.
Comment: The c.227_247del21 variant in the SLC52A2 gene has not been reported previously as a pathogenic variant nor as a benign variant, to our knowledge. This variant causes an in-frame deletion of 7 amnio acid residues, denoted p.Asp76_Arg82del. The c.227_247del21 variant is not observed in large population cohorts (Lek et al., 2016). In-silico analyses, including protein predictors and evolutionary conservation, support a deleterious effect. We interpret c.227_247del21 as a likely pathogenic variant.